The following is an entry in ClinVar:

ClinVar aggregate classification (germline): Pathogenic/Likely pathogenic. Review status: criteria provided, multiple submitters, no conflicts (2 of 4 stars). 4 submissions from 4 submitters: Pathogenic (1); Likely pathogenic (2). 1 of the submissions does not count toward it. Last evaluated 2026-03-16.

Conditions:
Pelizaeus-Merzbacher disease. Also called: Pelizaeus-Merzbacher spectrum disorder; Pelizaeus-Merzbacher Disease (PMD); Pelizeaus-Merzbacher spectrum disorder; Sudanophilic leukodystrophy; LEUKODYSTROPHY, HYPOMYELINATING, 1. Identifiers: Orphanet 702, MedGen C0205711, MONDO:0010714, OMIM 312080, HP:0003269.
Hereditary spastic paraplegia 2 (SPG2). Also called: SPASTIC PARAPLEGIA 2, X-LINKED; Spastic Paraplegia 2 (SPG2). Identifiers: Orphanet 99015, MedGen C0751604, MONDO:0010733, OMIM 312920.

Submissions (4):

GeneDx
Classification: Likely pathogenic. Last evaluated: 2026-03-16. Review status: criteria provided, single submitter. Criteria: GeneDx Variant Classification Process June 2021. Collection method: clinical testing. Allele origin: germline.
Comment: Not observed at significant frequency in large population cohorts (gnomAD); In silico analysis supports that this missense variant has a deleterious effect on protein structure/function; Missense variants in this gene are a common cause of disease and they are underrepresented in the general population; This variant is associated with the following publications: (PMID: 7539211, 2480601, 30728412, 24139698)

Labcorp Genetics (formerly Invitae), Labcorp
Classification: Pathogenic for Hereditary spastic paraplegia 2. Last evaluated: 2024-03-26. Review status: criteria provided, single submitter. Criteria: Invitae Variant Classification Sherloc (09022015). Collection method: clinical testing. Allele origin: germline.
Comment: This sequence change replaces proline, which is neutral and non-polar, with leucine, which is neutral and non-polar, at codon 15 of the PLP1 protein (p.Pro15Leu). This variant is not present in population databases (gnomAD no frequency). This missense change has been observed in individuals with Pelizaeus-Merzbacher disease (PMID: 2480601, 24139698). It has also been observed to segregate with disease in related individuals. This variant is also known as C>T transition at nucleotide 40. ClinVar contains an entry for this variant (Variation ID: 11075). Advanced modeling of protein sequence and biophysical properties (such as structural, functional, and spatial information, amino acid conservation, physicochemical variation, residue mobility, and thermodynamic stability) performed at Invitae indicates that this missense variant is expected to disrupt PLP1 protein function with a positive predictive value of 80%. For these reasons, this variant has been classified as Pathogenic.

Molecular Diagnostics Lab, Nemours Children's Health, Delaware
Classification: Likely pathogenic for Pelizaeus-Merzbacher disease. Last evaluated: 2021-12-03. Review status: criteria provided, single submitter. Criteria: ACMG Guidelines, 2015. Collection method: clinical testing. Allele origin: unknown. Inheritance: X-linked inheritance. Affected: yes. Observed: 2 hemizygotes. Clinical features observed: Nystagmus (HP:0000639), Hypotonia (HP:0001252), Feeding difficulties (HP:0011968).
Comment: This missense variant (c.44C>T, p.Pro15Leu) has not been observed in population databases (gnomAD). It has been described in the literature, segregating with the disease in a large, mulit-generational family (PMID 2480601, PMID 7539211). Although variant prediction programs suggest a deleterious effect on the PLP1 protein, functional studies have not been published.

OMIM
Classification: Pathogenic for PELIZAEUS-MERZBACHER DISEASE. Last evaluated: 1989-12-01. Review status: no assertion criteria provided. Collection method: literature only. Allele origin: germline. Not counted in ClinVar's aggregate classification.

Literature cited by the submitters: PubMed 2480601 (cited by 3 submitters); PubMed 24139698 (cited by Labcorp Genetics (formerly Invitae), Labcorp); PubMed 7539211 (cited by Molecular Diagnostics Lab, Nemours Children's Health, Delaware).

NM_000533.5(PLP1):c.44C>T (p.Pro15Leu)

Genes: RAB9B (RAB9B, member RAS oncogene family; minus strand), PLP1 (proteolipid protein 1; plus strand). Cytogenetic location: Xq22.2.
Variant type: single nucleotide variant.
Coding change: c.44C>T on transcript NM_000533.5 (MANE Select); coding-DNA position 44, C replaced by T.
Protein change: p.Pro15Leu; replaces proline 15 with leucine.
Molecular consequence: missense variant. On other transcripts: intron variant (1).
Genome position (GRCh38, 1-based): chrX:103,785,621, C>T. VCF-style: chrX-103785621-C-T. GRCh37 (hg19) VCF-style: chrX-103040550-C-T.
Other names: P14L; c.44C>T, p.Pro15Leu (NM_001128834.3, NM_199478.3); c.5-126C>T (NM_001305004.1); c.44C>T (NM_000533.3); short protein forms P15L.
Identifiers: ClinVar variation 11075 (VCV000011075.12), dbSNP rs11543022, ClinGen allele CA255678.